The following is an entry in ClinVar:

NM_003079.5(SMARCE1):c.1221T>G (p.Asp407Glu)

Gene: SMARCE1 (SWI/SNF related BAF chromatin remodeling complex subunit E1; minus strand). Cytogenetic location: 17q21.2.
Variant type: single nucleotide variant.
Coding change: c.1221T>G on transcript NM_003079.5 (MANE Select); coding-DNA position 1221, T replaced by G.
Protein change: p.Asp407Glu; replaces aspartic acid 407 with glutamic acid.
Molecular consequence: missense variant.
Genome position (GRCh38, 1-based): chr17:40,628,800, A>C on the plus strand (T>G on the coding strand, the complement: SMARCE1 is on the minus strand). VCF-style: chr17-40628800-A-C. GRCh37 (hg19) VCF-style: chr17-38785052-A-C.
Other names: short protein forms D407E.
Identifiers: ClinVar variation 4864857 (VCV004864857.1).

ClinVar aggregate classification (germline): Uncertain significance (1 of 4 stars; one submission).

Conditions:
Hereditary cancer-predisposing syndrome. Also called: Neoplastic Syndromes, Hereditary; Tumor predisposition; Hereditary Cancer Syndrome; Hereditary neoplastic syndrome. Identifiers: Orphanet 140162, MedGen C0027672, MeSH D009386, MONDO:0015356.

Submission:

Ambry Genetics
Classification: Uncertain significance for Hereditary cancer-predisposing syndrome. Last evaluated: 2026-03-21. Review status: criteria provided, single submitter. Criteria: Ambry Variant Classification Scheme 2023. Collection method: clinical testing. Allele origin: germline.
Comment: The p.D407E variant (also known as c.1221T>G), located in coding exon 10 of the SMARCE1 gene, results from a T to G substitution at nucleotide position 1221. The aspartic acid at codon 407 is replaced by glutamic acid, an amino acid with highly similar properties. This amino acid position is conserved. In addition, this alteration is predicted to be tolerated by in silico analysis. Based on the available evidence, the clinical significance of this variant remains unclear.